The following is an entry in ClinVar:

NM_002691.4(POLD1):c.3199G>A (p.Glu1067Lys)

Gene: POLD1 (DNA polymerase delta 1, catalytic subunit; plus strand). Cytogenetic location: 19q13.33.
Variant type: single nucleotide variant.
Coding change: c.3199G>A on transcript NM_002691.4 (MANE Select); coding-DNA position 3199, G replaced by A.
Protein change: p.Glu1067Lys; replaces glutamic acid 1067 with lysine.
Molecular consequence: missense variant. On other transcripts: non-coding transcript variant (1).
Genome position (GRCh38, 1-based): chr19:50,417,250, G>A. VCF-style: chr19-50417250-G-A. GRCh37 (hg19) VCF-style: chr19-50920507-G-A.
Other names: c.3199G>A (NM_002691.2); c.3199G>A, p.Glu1067Lys (NM_001256849.1); c.3277G>A, p.Glu1093Lys (NM_001308632.1); short protein forms E1067K, E1093K.
Identifiers: ClinVar variation 1301641 (VCV001301641.4), dbSNP rs1315638826, ClinGen allele CA406987511.
Genomic context (GRCh38, chr19:50,417,250, plus strand): 5'-CTGGAGGAGCGCTTCTCGCGCCTCTGGACGCAGTGCCAGCGCTGCCAGGGCAGCCTGCAC[G>A]AGGACGTCATCTGCACCAGGTGTGTGCCATGTCCCGACCCTGGGCTGCCCCGCCCCTTCC-3'
Protein context (NP_002682.2, residues 1057-1077): QCQRCQGSLH[Glu1067Lys]DVICTSRDCP

ClinVar aggregate classification (germline): Conflicting classifications of pathogenicity. Review status: criteria provided, conflicting classifications (1 of 4 stars). 3 submissions from 2 submitters: Pathogenic (2); Uncertain significance (1). Last evaluated 2024-11-08.

Conditions:
Hereditary cancer-predisposing syndrome. Also called: Tumor predisposition; Neoplastic Syndromes, Hereditary; Hereditary Cancer Syndrome; Hereditary neoplastic syndrome. Identifiers: Orphanet 140162, MedGen C0027672, MeSH D009386, MONDO:0015356.
Mandibular hypoplasia-deafness-progeroid syndrome. Also called: Mandibular hypoplasia, deafness, progeroid features, and lipodystrophy syndrome. Identifiers: Orphanet 363649, MedGen C3715192, MONDO:0014157, OMIM 615381.
Micrognathia. Also called: Mandibular hypoplasia. Identifiers: MedGen C0025990, HP:0000347.

Submissions (3):

Ambry Genetics
Classification: Uncertain significance for Hereditary cancer-predisposing syndrome. Last evaluated: 2024-11-08. Review status: criteria provided, single submitter. Criteria: Ambry Variant Classification Scheme 2023. Collection method: clinical testing. Allele origin: germline.
Comment: The p.E1067K variant (also known as c.3199G>A), located in coding exon 25 of the POLD1 gene, results from a G to A substitution at nucleotide position 3199. The glutamic acid at codon 1067 is replaced by lysine, an amino acid with similar properties. This amino acid position is highly conserved in available vertebrate species. In addition, this alteration is predicted to be tolerated by in silico analysis. Based on the available evidence, the clinical significance of this variant remains unclear.

Dubai Health Genomic Medicine Center, Dubai Health
Classification: Pathogenic for Mandibular hypoplasia. Last evaluated: 2024-10-04. Review status: criteria provided, single submitter. Criteria: ACMG Guidelines, 2015. Collection method: research. Allele origin: germline. Affected: yes.
Comment: PP1, PM2, PM1, PS2, PP4

Dubai Health Genomic Medicine Center, Dubai Health
Classification: Pathogenic for Mandibular hypoplasia-deafness-progeroid syndrome. Last evaluated: 2020-12-23. Review status: criteria provided, single submitter. Criteria: ACMG Guidelines, 2015. Collection method: clinical testing. Allele origin: germline. Affected: yes.
Comment: • The p. Glu1067Lys missense variant in POLD1 has been previously reported in the heterozygous state in two patients from one family (mother and her daughter) with partial lipodystrophy severe insulin resistance and non-alcoholic fatty liver disease (PMID: 28199729). This variant was absent from large population studies such as the Genome Aggregation Database (gnomAD) and the Greater Middle East (GME) variome database. Two nearby missense variant (p.Ile1070Asn and p.Arg1074Trp) in the POLD1 gene have been reported in patients with disease (PMIDs: 28521875 31449058) suggesting that this region might be a mutational hot spot. Computational prediction tools and conservation analysis suggests an impact to protein function. In summary this variant meets our criteria to be classified as pathogenic.